The following is an entry in ClinVar:

ClinVar aggregate classification (germline): Pathogenic/Likely pathogenic. Review status: criteria provided, multiple submitters, no conflicts (2 of 4 stars). 16 submissions from 14 submitters: Pathogenic (7); Likely pathogenic (2). 7 of the submissions do not count toward it. Last evaluated 2025-06-23.

Conditions:
Vitelliform macular dystrophy 3 (VMD3). Also called: PRPH2 vitelliform macular dystrophy; vitelliform macular dystrophy caused by mutation in PRPH2. Identifiers: MedGen CN295869, MONDO:0024561, OMIM 608161.
PRPH2-related disorder. Also called: PRPH2-related condition; PRPH2-related disorders. Identifiers: MedGen CN239395.
Macular dystrophy. Identifiers: MedGen C0730292, HP:0007754.
Patterned dystrophy of the retinal pigment epithelium (MDPT1). Identifiers: Orphanet 63454, MedGen C1868569, MONDO:0018973.
Retinal dystrophy. Also called: Inherited retinal dystrophy. Identifiers: Orphanet 71862, MedGen C0854723, MeSH D058499, MONDO:0019118, HP:0000556.
Retinitis pigmentosa (RP). Identifiers: Orphanet 791, MedGen C0035334, MeSH D012174, MONDO:0019200, OMIM 268000. Inheritance: Autosomal dominant, autosomal recessive and X linked inheritance.
Retinitis pigmentosa 7 (RP7). Identifiers: Orphanet 791, MedGen C1842475, MONDO:0011974, OMIM 608133.
Choroidal dystrophy, central areolar 2 (CACD2). Also called: MACULAR DYSTROPHY, PROGRESSIVE; Choriodal Dystrophy, Central Areolar 2. Identifiers: Orphanet 75377, MedGen C2751290, MONDO:0013137, OMIM 613105.
Stargardt disease (FFM). Also called: Stargardt's disease; Fundus flavimaculatus. Identifiers: Orphanet 827, MedGen C0271093, MONDO:0019353.

Allele frequency attached by ClinVar (database versions not stated): gnomAD exomes below 0.00001 and 0.00001; ExAC 0.00001.
gnomAD v4.1: 9 of 1,614,160 alleles (0.00056%); highest among the groups gnomAD compares: African/African-American, 0.0013%; no homozygotes.

Submissions (16):

Labcorp Genetics (formerly Invitae), Labcorp
Classification: Pathogenic for PRPH2-related disorder. Last evaluated: 2025-06-23. Review status: criteria provided, single submitter. Criteria: Invitae Variant Classification Sherloc (09022015). Collection method: clinical testing. Allele origin: germline.
Comment: This sequence change replaces arginine, which is basic and polar, with glutamine, which is neutral and polar, at codon 172 of the PRPH2 protein (p.Arg172Gln). This variant is present in population databases (rs61755793, gnomAD 0.003%). This missense change has been observed in individual(s) with autosomal dominant macular dystrophy or central areolar choroidal dystrophy in families, albeit with incomplete penetrance (PMID: 8485576, 19038374, 19243827). It has also been observed to segregate with disease in related individuals. This variant is also known as RDS p.Arg172Gln. ClinVar contains an entry for this variant (Variation ID: 13167). Invitae Evidence Modeling of protein sequence and biophysical properties (such as structural, functional, and spatial information, amino acid conservation, physicochemical variation, residue mobility, and thermodynamic stability) has been performed for this missense variant. However, the output from this modeling did not meet the statistical confidence thresholds required to predict the impact of this variant on PRPH2 protein function. For these reasons, this variant has been classified as Pathogenic.

SingHealth Duke-NUS Institute of Precision Medicine
Classification: Likely pathogenic for Retinitis pigmentosa 7. Last evaluated: 2025-02-05. Review status: criteria provided, single submitter. Criteria: PRISM ACMG Classification Criteria. Collection method: clinical testing. Allele origin: germline. Affected: yes.
Comment: Variant is in a mutational hotspot where >50% of variants are pathogenic (PM1). Homozygous allele count in gnomAD exomes and genomes is less than 0 (PM2). Prevalence in affected individual is significantly raised compared to the general population (PS4, internal data). Other changes on this amino acid residue have been classified as pathogenic (PM5, c.514C>T). Cosegregation with the disease has been observed in multiple families in multiple studies (PP1, PMID:19243827;27977834)

Blueprint Genetics
Classification: Pathogenic for PRPH2-related disorders. Last evaluated: 2023-12-13. Review status: criteria provided, single submitter. Criteria: ACMG Guidelines, 2015. Collection method: clinical testing. Allele origin: germline. Affected: yes. Observed: 5 variant alleles.

Institute of Human Genetics, Univ. Regensburg, Univ. Regensburg
Classification: Likely pathogenic for Retinal dystrophy. Last evaluated: 2023-01-01. Review status: criteria provided, single submitter. Criteria: ACMG Guidelines, 2015. Collection method: clinical testing. Allele origin: germline. Affected: yes.

Institute of Human Genetics, University of Leipzig Medical Center
Classification: Pathogenic for Vitelliform macular dystrophy 3. Last evaluated: 2021-12-14. Review status: criteria provided, single submitter. Criteria: ACMG Guidelines, 2015. Collection method: clinical testing. Allele origin: unknown. Affected: yes.
Comment: _x000D_ Criteria applied: PM5_STR, PP1_STR, PS4_MOD, PM2_SUP, PP3

Institute of Medical Genetics and Applied Genomics, University Hospital Tübingen
Classification: Pathogenic. Last evaluated: 2020-10-23. Review status: criteria provided, single submitter. Criteria: ACMG Guidelines, 2015. Collection method: clinical testing. Allele origin: germline. Inheritance: Autosomal dominant inheritance. Affected: yes.

NEI Ophthalmic Genomics Laboratory, National Institutes of Health
Classification: Pathogenic for Patterned dystrophy of the retinal pigment epithelium. Last evaluated: 2020-01-07. Review status: criteria provided, single submitter. Criteria: ACMG Guidelines, 2015. Collection method: clinical testing. Allele origin: germline. Affected: yes.
Comment: The variant NM_000322.4:c.515G>A in the PRPH2 gene has been previously studied(PMIDs 8485576, 22003107, 25082885, 27977834, 28559085, 29555955). We found this variant in 2 patient(s) in a PRPH2 cohort study (Reeves et al. 2020). This variant is listed in dbSNP and/or HGMD (rs61755793,CM930637). It is present in gnomAD browser (AF 0.00000406). It is enriched in the PRPH2 disease cohort. We invoked ACMG criteria [PS4, PP1-S, PM1, PM2, PP3, PP5] and classified NM_000322.4:c.515G>A in the PRPH2 gene as a Pathogenic mutation.

NEI Ophthalmic Genomics Laboratory, National Institutes of Health
Classification: Pathogenic for Stargardt disease. Last evaluated: 2020-01-07. Review status: criteria provided, single submitter. Criteria: ACMG Guidelines, 2015. Collection method: clinical testing. Allele origin: germline. Affected: yes.
Comment: the same text as in the submission from NEI Ophthalmic Genomics Laboratory, National Institutes of Health above.

CeGaT Center for Human Genetics Tuebingen
Classification: Pathogenic. Last evaluated: 2017-11-01. Review status: criteria provided, single submitter. Criteria: CeGaT Center For Human Genetics Tuebingen Variant Classification Criteria Version 2. Collection method: clinical testing. Allele origin: germline. Affected: yes. Observed: 1 variant allele.

Leiden Open Variation Database
Classification: Pathogenic. Last evaluated: 2021-04-06. Review status: no assertion criteria provided. Collection method: curation. Allele origin: germline. Affected: yes. Not counted in ClinVar's aggregate classification.
Comment: Curator: Global Variome, with Curator vacancy. Submitters to LOVD: LOVD, Manon Peeters.

Department of Clinical Genetics, Copenhagen University Hospital, Rigshospitalet
Classification: Pathogenic for Retinitis pigmentosa. Last evaluated: 2018-04-01. Review status: no assertion criteria provided. Collection method: research. Allele origin: unknown. Affected: yes. Study: VeluxRD. Not counted in ClinVar's aggregate classification.

Department of Clinical Genetics, Copenhagen University Hospital, Rigshospitalet
Classification: Pathogenic for Macular dystrophy. Last evaluated: 2018-04-01. Review status: no assertion criteria provided. Collection method: research. Allele origin: unknown. Affected: yes. Study: VeluxRD. Not counted in ClinVar's aggregate classification.

OMIM
Classification: Pathogenic for CHOROIDAL DYSTROPHY, CENTRAL AREOLAR, 2. Last evaluated: 1993-03-01. Review status: no assertion criteria provided. Collection method: literature only. Allele origin: germline. Not counted in ClinVar's aggregate classification.

Clinical Genetics, Academic Medical Center
Classification: Pathogenic. Review status: no assertion criteria provided. Collection method: clinical testing. Allele origin: germline. Affected: yes. Study: VKGL Data-share Consensus. Not counted in ClinVar's aggregate classification.

Joint Genome Diagnostic Labs from Nijmegen and Maastricht, Radboudumc and MUMC+
Classification: Likely pathogenic. Review status: no assertion criteria provided. Collection method: clinical testing. Allele origin: germline. Affected: yes. Study: VKGL Data-share Consensus. Not counted in ClinVar's aggregate classification.

Retina International
No classification provided. Review status: no classification provided. Collection method: not provided. Allele origin: not provided. Not counted in ClinVar's aggregate classification.

Literature cited by the submitters: PubMed 8485576 (cited by 4 submitters); PubMed 19038374 (cited by Labcorp Genetics (formerly Invitae), Labcorp and Leiden Open Variation Database); PubMed 19243827 (cited by 3 submitters); PubMed 27977834 (cited by SingHealth Duke-NUS Institute of Precision Medicine and Institute of Human Genetics, Univ. Regensburg, Univ. Regensburg); PubMed 22003107 (cited by Institute of Human Genetics, Univ. Regensburg, Univ. Regensburg and Leiden Open Variation Database); PubMed 25082885 (cited by Institute of Human Genetics, Univ. Regensburg, Univ. Regensburg and Leiden Open Variation Database); PubMed 28559085 (cited by Institute of Human Genetics, Univ. Regensburg, Univ. Regensburg and Leiden Open Variation Database); PubMed 29555955 (cited by Institute of Human Genetics, Univ. Regensburg, Univ. Regensburg and Leiden Open Variation Database); PubMed 31964843 (cited by Institute of Human Genetics, Univ. Regensburg, Univ. Regensburg); PubMed 32531846 (cited by Institute of Human Genetics, Univ. Regensburg, Univ. Regensburg and Leiden Open Variation Database); PubMed 32531858 (cited by Institute of Human Genetics, Univ. Regensburg, Univ. Regensburg); PubMed 33369172 (cited by Institute of Human Genetics, Univ. Regensburg, Univ. Regensburg); PubMed 34411390 (cited by Institute of Human Genetics, Univ. Regensburg, Univ. Regensburg); PubMed 35260635 (cited by Institute of Human Genetics, Univ. Regensburg, Univ. Regensburg); PubMed 8302543 (cited by Leiden Open Variation Database); PubMed 9443872 (cited by Leiden Open Variation Database); PubMed 10532447 (cited by Leiden Open Variation Database); PubMed 30718709 (cited by Department of Clinical Genetics, Copenhagen University Hospital, Rigshospitalet); Boon, C. J. F., Klevering, B. J., Cremers, F. P. M., Zonneveld-Vrieling, M. N., Theelen, T., Den Hollander, A. I., Hoyng, C. B. Central areolar choroidal dystrophy. Ophthalmology 116: 771-782, 2009. (cited by OMIM).

NM_000322.5(PRPH2):c.515G>A (p.Arg172Gln)

Gene: PRPH2 (peripherin 2; minus strand). Cytogenetic location: 6p21.1.
Variant type: single nucleotide variant.
Coding change: c.515G>A on transcript NM_000322.5 (MANE Select); coding-DNA position 515, G replaced by A.
Protein change: p.Arg172Gln; replaces arginine 172 with glutamine.
Molecular consequence: missense variant.
Genome position (GRCh38, 1-based): chr6:42,721,820, C>T on the plus strand (G>A on the coding strand, the complement: PRPH2 is on the minus strand). VCF-style: chr6-42721820-C-T. GRCh37 (hg19) VCF-style: chr6-42689558-C-T.
Other names: short protein forms R172Q.
Identifiers: ClinVar variation 13167 (VCV000013167.65), dbSNP rs61755793, ClinGen allele CA122930.
Genomic context (GRCh38, chr6:42,721,820, plus strand): 5'-ACTTCTTTGGAGGAAAAGTCCAGGTAGCGATTGCTGATCCACTGAATCTCAAACCAGTCC[C>T]GAAAACCGTTGTTGCCGCAGCATTTGAACTCGATCTGCAGCATGTCGATGGTCTTCTTCA-3'
Protein context (NP_000313.2, residues 162-182): EFKCCGNNGF[Arg172Gln]DWFEIQWISN